The following is an entry in ClinVar:

NM_000245.4(MET):c.1759G>A (p.Asp587Asn)

Gene: MET (MET proto-oncogene, receptor tyrosine kinase; plus strand). Cytogenetic location: 7q31.2.
Variant type: single nucleotide variant.
Coding change: c.1759G>A on transcript NM_000245.4 (MANE Select); coding-DNA position 1759, G replaced by A.
Protein change: p.Asp587Asn; replaces aspartic acid 587 with asparagine.
Molecular consequence: missense variant.
Genome position (GRCh38, 1-based): chr7:116,755,412, G>A. VCF-style: chr7-116755412-G-A. GRCh37 (hg19) VCF-style: chr7-116395466-G-A.
Other names: c.1759G>A, p.Asp587Asn (NM_001127500.3, NM_001324401.3); c.469G>A, p.Asp157Asn (NM_001324402.2); short protein forms D157N, D587N.
Identifiers: ClinVar variation 4767061 (VCV004767061.2).

ClinVar aggregate classification (germline): Uncertain significance. Review status: criteria provided, multiple submitters, no conflicts (2 of 4 stars). 2 submissions from 2 submitters: Uncertain significance (2). Last evaluated 2026-03-14.

Conditions:
Renal cell carcinoma. Identifiers: Orphanet 217071, MedGen C0007134, MeSH D002292, MONDO:0005086, HP:0005584.
Hereditary cancer-predisposing syndrome. Also called: Neoplastic Syndromes, Hereditary; Hereditary neoplastic syndrome; Tumor predisposition; Hereditary Cancer Syndrome. Identifiers: Orphanet 140162, MedGen C0027672, MeSH D009386, MONDO:0015356.

gnomAD v4.1: 3 of 1,614,108 alleles (0.00019%); highest among the groups gnomAD compares: East Asian, 0.0022%; no homozygotes.

Submissions (2):

Ambry Genetics
Classification: Uncertain significance for Hereditary cancer-predisposing syndrome. Last evaluated: 2026-03-14. Review status: criteria provided, single submitter. Criteria: Ambry Variant Classification Scheme 2023. Collection method: clinical testing. Allele origin: germline.
Comment: The p.D587N variant (also known as c.1759G>A), located in coding exon 5 of the MET gene, results from a G to A substitution at nucleotide position 1759. The aspartic acid at codon 587 is replaced by asparagine, an amino acid with highly similar properties. This amino acid position is conserved. In addition, this alteration is predicted to be tolerated by in silico analysis. Based on the available evidence, the clinical significance of this variant remains unclear.

Labcorp Genetics (formerly Invitae), Labcorp
Classification: Uncertain significance for Renal cell carcinoma. Last evaluated: 2025-07-23. Review status: criteria provided, single submitter. Criteria: Invitae Variant Classification Sherloc (09022015). Collection method: clinical testing. Allele origin: germline.
Comment: This sequence change replaces aspartic acid, which is acidic and polar, with asparagine, which is neutral and polar, at codon 587 of the MET protein (p.Asp587Asn). This variant is not present in population databases (gnomAD no frequency). This variant has not been reported in the literature in individuals affected with MET-related conditions. Invitae Evidence Modeling of protein sequence and biophysical properties (such as structural, functional, and spatial information, amino acid conservation, physicochemical variation, residue mobility, and thermodynamic stability) indicates that this missense variant is not expected to disrupt MET protein function with a negative predictive value of 80%. In summary, the available evidence is currently insufficient to determine the role of this variant in disease. Therefore, it has been classified as a Variant of Uncertain Significance.